The following is an entry in ClinVar:

NM_015425.6(POLR1A):c.3757A>G (p.Met1253Val)

Genes: POLR1A (RNA polymerase I subunit A; minus strand), LOC106783498 (conserved acetylation island sequence 34 enhancer; plus strand). Cytogenetic location: 2p11.2.
Variant type: single nucleotide variant.
Coding change: c.3757A>G on transcript NM_015425.6 (MANE Select); coding-DNA position 3757, A replaced by G.
Protein change: p.Met1253Val; replaces methionine 1253 with valine.
Molecular consequence: missense variant.
Genome position (GRCh38, 1-based): chr2:86,039,446, T>C on the plus strand (A>G on the coding strand, the complement: POLR1A is on the minus strand). VCF-style: chr2-86039446-T-C. GRCh37 (hg19) VCF-style: chr2-86266569-T-C.
Other names: short protein forms M1253V.
Identifiers: ClinVar variation 2901173 (VCV002901173.3), dbSNP rs199896302, ClinGen allele CA1745687.

ClinVar aggregate classification (germline): Uncertain significance (1 of 4 stars; one submission).

Allele frequency attached by ClinVar (database versions not stated): gnomAD exomes 0.00004; ExAC 0.00017; gnomAD 0.00001; TOPMed 0.00003.

Submission:

Labcorp Genetics (formerly Invitae), Labcorp
Classification: Uncertain significance. Last evaluated: 2023-12-16. Review status: criteria provided, single submitter. Criteria: Invitae Variant Classification Sherloc (09022015). Collection method: clinical testing. Allele origin: germline.
Comment: This sequence change replaces methionine, which is neutral and non-polar, with valine, which is neutral and non-polar, at codon 1253 of the POLR1A protein (p.Met1253Val). This variant is present in population databases (rs199896302, gnomAD 0.02%). This variant has not been reported in the literature in individuals affected with POLR1A-related conditions. Advanced modeling of protein sequence and biophysical properties (such as structural, functional, and spatial information, amino acid conservation, physicochemical variation, residue mobility, and thermodynamic stability) performed at Invitae indicates that this missense variant is expected to disrupt POLR1A protein function with a positive predictive value of 80%. In summary, the available evidence is currently insufficient to determine the role of this variant in disease. Therefore, it has been classified as a Variant of Uncertain Significance.